The following is an entry in ClinVar:

NM_004999.4(MYO6):c.2545C>T (p.Arg849Ter)

Gene: MYO6 (myosin VI; plus strand). Cytogenetic location: 6q14.1.
Variant type: single nucleotide variant.
Coding change: c.2545C>T on transcript NM_004999.4 (MANE Select); coding-DNA position 2545, C replaced by T.
Protein change: p.Arg849Ter; replaces arginine 849 with a stop codon.
Molecular consequence: nonsense. On other transcripts: non-coding transcript variant (1).
Genome position (GRCh38, 1-based): chr6:75,886,881, C>T. VCF-style: chr6-75886881-C-T. GRCh37 (hg19) VCF-style: chr6-76596598-C-T.
Other names: c.2545C>T, p.Arg849Ter (NM_001300899.2, NM_001368136.1, NM_001368137.1 and 2 more transcripts); c.2530C>T, p.Arg844Ter (NM_001368138.1); short protein forms R849*, R844*.
Identifiers: ClinVar variation 8582 (VCV000008582.9), dbSNP rs121912561, ClinGen allele CA254507.

ClinVar aggregate classification (germline): Pathogenic. Review status: criteria provided, multiple submitters, no conflicts (2 of 4 stars). 5 submissions from 5 submitters: Pathogenic (4). 1 of the submissions does not count toward it. Last evaluated 2025-02-27.

Conditions:
MYO6-related disorder. Also called: MYO6-related disorders; MYO6-related condition.
Rare genetic deafness. Identifiers: Orphanet 96210, MedGen C5680250.
Autosomal dominant nonsyndromic hearing loss 22. Also called: DFNA 22; Autosomal dominant nonsyndromic deafness 22. Identifiers: Orphanet 228012, MedGen C2931767, MONDO:0011660, OMIM 606346.

Allele frequency attached by ClinVar (database versions not stated): gnomAD exomes below 0.00001 and 0.00001; ExAC 0.00001; gnomAD 0.00001; TOPMed 0.00001.
gnomAD v4.1: 5 of 1,613,450 alleles (0.00031%); highest among the groups gnomAD compares: East Asian, 0.0022%; no homozygotes.

Submissions (5):

GeneDx
Classification: Pathogenic. Last evaluated: 2025-02-27. Review status: criteria provided, single submitter. Criteria: GeneDx Variant Classification Process June 2021. Collection method: clinical testing. Allele origin: germline. Affected: yes.
Comment: Nonsense variant predicted to result in protein truncation or nonsense mediated decay in a gene for which loss of function is a known mechanism of disease; This variant is associated with the following publications: (PMID: 25525159, 33297549, 18348273, 38790200, 39019031, 39336818)

Labcorp Genetics (formerly Invitae), Labcorp
Classification: Pathogenic. Last evaluated: 2023-07-07. Review status: criteria provided, single submitter. Criteria: Invitae Variant Classification Sherloc (09022015). Collection method: clinical testing. Allele origin: germline.
Comment: This sequence change creates a premature translational stop signal (p.Arg849*) in the MYO6 gene. It is expected to result in an absent or disrupted protein product. Loss-of-function variants in MYO6 are known to be pathogenic (PMID: 12687499, 18348273, 23767834, 25999546, 30582396). This variant is present in population databases (rs121912561, gnomAD 0.006%). This premature translational stop signal has been observed in individual(s) with clinical features of MYO6-related conditions (PMID: 18348273, 33297549). ClinVar contains an entry for this variant (Variation ID: 8582). For these reasons, this variant has been classified as Pathogenic.

Blueprint Genetics
Classification: Pathogenic for MYO6-related disorders. Last evaluated: 2023-02-13. Review status: criteria provided, single submitter. Criteria: ACMG Guidelines, 2015. Collection method: clinical testing. Allele origin: germline. Affected: yes. Observed: 3 variant alleles.

Laboratory for Molecular Medicine, Mass General Brigham Personalized Medicine
Classification: Pathogenic for Rare genetic deafness. Last evaluated: 2017-10-26. Review status: criteria provided, single submitter. Criteria: LMM Criteria. Collection method: clinical testing. Allele origin: germline. Inheritance: Autosomal dominant inheritance. Observed: 1 variant allele.
Comment: The p.Arg849X variant in MYO6 has been reported in 1 individual with nonsyndromi c hearing loss and segregated with disease in at least 14 affected relatives in an autosomal dominant manner (Sanggaard 2008). This variant has been identified in 1/17246 of East Asian chromosomes and 1/111636 European chromosomes by the Ge nome Aggregation Database (gnomAD; dbSNP rs121 912561). This nonsense variant leads to a premature termination codon at positio n 849, which is predicted to lead to a truncated or absent protein. Truncating o r loss-of-function variants in the MYO6 gene have been associated with autosomal recessive congenital sensorineural hearing loss (Ahmed 2003) as well as autosom al dominant postlingual/late-onset progressive sensorineural hearing loss with v ariable onset and severity (Hilgert 2008, Sanggaard 2008, Neveling 2013, Schrauw en 2013, Volk 2013). In summary, this variant meets criteria to be classified as pathogenic for nonsyndromic hearing loss in an autosomal dominant manner based upon the segregation studies in the reported family and its predicted impact to the protein. ACMG/AMP Criteria applied: PVS1, PP1_S, PS4(Richards 2015).

OMIM
Classification: Pathogenic for DEAFNESS, AUTOSOMAL DOMINANT 22. Last evaluated: 2008-04-15. Review status: no assertion criteria provided. Collection method: literature only. Allele origin: germline. Not counted in ClinVar's aggregate classification.

Literature cited by the submitters: PubMed 12687499 (cited by Labcorp Genetics (formerly Invitae), Labcorp); PubMed 18348273 (cited by 3 submitters); PubMed 23767834 (cited by Labcorp Genetics (formerly Invitae), Labcorp); PubMed 25999546 (cited by Labcorp Genetics (formerly Invitae), Labcorp); PubMed 30582396 (cited by Labcorp Genetics (formerly Invitae), Labcorp); PubMed 33297549 (cited by Labcorp Genetics (formerly Invitae), Labcorp).